The following is an entry in ClinVar:

NM_198578.4(LRRK2):c.3520T>G (p.Ser1174Ala)

Gene: LRRK2 (leucine rich repeat kinase 2; plus strand). Cytogenetic location: 12q12.
Variant type: single nucleotide variant.
Coding change: c.3520T>G on transcript NM_198578.4 (MANE Select); coding-DNA position 3520, T replaced by G.
Protein change: p.Ser1174Ala; replaces serine 1174 with alanine.
Molecular consequence: missense variant.
Genome position (GRCh38, 1-based): chr12:40,302,812, T>G. VCF-style: chr12-40302812-T-G. GRCh37 (hg19) VCF-style: chr12-40696614-T-G.
Other names: short protein forms S1174A.
Identifiers: ClinVar variation 1732275 (VCV001732275.2), dbSNP rs778521974, ClinGen allele CA6513939.

ClinVar aggregate classification (germline): Uncertain significance (1 of 4 stars; one submission).

Conditions:
Inborn genetic diseases. Identifiers: MedGen C0950123, MeSH D030342.

Allele frequency attached by ClinVar (database versions not stated): gnomAD exomes below 0.00001; ExAC 0.00002; gnomAD 0.00002.
gnomAD v4.1: 8 of 1,610,808 alleles (0.0005%); highest among the groups gnomAD compares: Non-Finnish European, 0.00034%; no homozygotes.

Submission:

Ambry Genetics
Classification: Uncertain significance for Inborn genetic diseases. Last evaluated: 2022-01-15. Review status: criteria provided, single submitter. Criteria: Ambry Variant Classification Scheme 2023. Collection method: clinical testing. Allele origin: germline.
Comment: The p.S1174A variant (also known as c.3520T>G), located in coding exon 26 of the LRRK2 gene, results from a T to G substitution at nucleotide position 3520. The serine at codon 1174 is replaced by alanine, an amino acid with similar properties. This amino acid position is conserved. In addition, this alteration is predicted to be tolerated by in silico analysis. Since supporting evidence is limited at this time, the clinical significance of this alteration remains unclear.